The following is an entry in ClinVar:

ClinVar aggregate classification (germline): Likely pathogenic (1 of 4 stars; one submission).

Conditions:
Early-infantile DEE. Also called: Early infantile epileptic encephalopathy with suppression bursts; Early infantile epileptic encephalopathy; Ohtahara syndrome. Identifiers: Orphanet 1934, MedGen C0393706, MONDO:0800491.

Submission:

Labcorp Genetics (formerly Invitae), Labcorp
Classification: Likely pathogenic for Early-infantile DEE. Last evaluated: 2026-01-18. Review status: criteria provided, single submitter. Criteria: Invitae Variant Classification Sherloc (09022015). Collection method: clinical testing. Allele origin: germline.
Comment: This sequence change replaces arginine, which is basic and polar, with glycine, which is neutral and non-polar, at codon 377 of the SCN1A protein (p.Arg377Gly). This variant is not present in population databases (gnomAD no frequency). This variant has not been reported in the literature in individuals affected with SCN1A-related conditions. Invitae Evidence Modeling of protein sequence and biophysical properties (such as structural, functional, and spatial information, amino acid conservation, physicochemical variation, residue mobility, and thermodynamic stability) indicates that this missense variant is expected to disrupt SCN1A protein function with a positive predictive value of 95%. This variant disrupts the p.Arg377 amino acid residue in SCN1A. Other variant(s) that disrupt this residue have been determined to be pathogenic (PMID: 18413471; internal data). This suggests that this residue is clinically significant, and that variants that disrupt this residue are likely to be disease-causing. In summary, the currently available evidence indicates that the variant is pathogenic, but additional data are needed to prove that conclusively. Therefore, this variant has been classified as Likely Pathogenic.

Literature cited by the submitters: PubMed 18413471.

NM_001165963.4(SCN1A):c.1129C>G (p.Arg377Gly)

Gene: SCN1A (sodium voltage-gated channel alpha subunit 1; minus strand). Cytogenetic location: 2q24.3.
Variant type: single nucleotide variant.
Coding change: c.1129C>G on transcript NM_001165963.4 (MANE Select); coding-DNA position 1129, C replaced by G.
Protein change: p.Arg377Gly; replaces arginine 377 with glycine.
Molecular consequence: missense variant. On other transcripts: 5 prime UTR variant (1), non-coding transcript variant (1).
Genome position (GRCh38, 1-based): chr2:166,047,668, G>C on the plus strand (C>G on the coding strand, the complement: SCN1A is on the minus strand). VCF-style: chr2-166047668-G-C. GRCh37 (hg19) VCF-style: chr2-166904178-G-C.
Other names: c.1129C>G, p.Arg377Gly (NM_001165964.3, NM_001202435.3, NM_001353948.2 and 10 more transcripts); c.-1297C>G (NM_001353961.2); short protein forms R377G.
Identifiers: ClinVar variation 4800291 (VCV004800291.1).